The following is an entry in ClinVar:

ClinVar aggregate classification (germline): Uncertain significance (1 of 4 stars; one submission).

Submission:

Labcorp Genetics (formerly Invitae), Labcorp
Classification: Uncertain significance. Last evaluated: 2023-05-19. Review status: criteria provided, single submitter. Criteria: Invitae Variant Classification Sherloc (09022015). Collection method: clinical testing. Allele origin: germline.
Comment: This sequence change replaces isoleucine, which is neutral and non-polar, with valine, which is neutral and non-polar, at codon 734 of the POLE protein (p.Ile734Val). This variant is not present in population databases (gnomAD no frequency). This variant has not been reported in the literature in individuals affected with POLE-related conditions. ClinVar contains an entry for this variant (Variation ID: 1468730). Advanced modeling of protein sequence and biophysical properties (such as structural, functional, and spatial information, amino acid conservation, physicochemical variation, residue mobility, and thermodynamic stability) performed at Invitae indicates that this missense variant is not expected to disrupt POLE protein function. In summary, the available evidence is currently insufficient to determine the role of this variant in disease. Therefore, it has been classified as a Variant of Uncertain Significance.

NM_006231.4(POLE):c.2200A>G (p.Ile734Val)

Gene: POLE (DNA polymerase epsilon, catalytic subunit; minus strand). Cytogenetic location: 12q24.33.
Variant type: single nucleotide variant.
Coding change: c.2200A>G on transcript NM_006231.4 (MANE Select); coding-DNA position 2200, A replaced by G.
Protein change: p.Ile734Val; replaces isoleucine 734 with valine.
Molecular consequence: missense variant.
Genome position (GRCh38, 1-based): chr12:132,667,622, T>C on the plus strand (A>G on the coding strand, the complement: POLE is on the minus strand). VCF-style: chr12-132667622-T-C. GRCh37 (hg19) VCF-style: chr12-133244208-T-C.
Other names: short protein forms I734V.
Identifiers: ClinVar variation 1468730 (VCV001468730.8), dbSNP rs776323425, ClinGen allele CA387352315.